The following is an entry in ClinVar:

NC_000009.12:g.35658074_35658075delinsAG

Gene: RMRP (RNA component of mitochondrial RNA processing endoribonuclease; minus strand). Cytogenetic location: 9p13.3.
Variant type: Indel.
Genome position: GRCh38 VCF-style: chr9-35658074-GA-AG. GRCh37 (hg19) VCF-style: chr9-35658071-GA-AG.
Identifiers: ClinVar variation 2416583 (VCV002416583.7), dbSNP rs2490605021, ClinGen allele CA2580080487.

ClinVar aggregate classification (germline): Uncertain significance (1 of 4 stars; one submission).

Conditions:
Anauxetic dysplasia. Identifiers: Orphanet 93347, MedGen C1846796, MONDO:0011773.

Submission:

Labcorp Genetics (formerly Invitae), Labcorp
Classification: Uncertain significance for Anauxetic dysplasia. Last evaluated: 2022-09-02. Review status: criteria provided, single submitter. Criteria: Invitae Variant Classification Sherloc (09022015). Collection method: clinical testing. Allele origin: germline.
Comment: This variant occurs in the RMRP gene, which encodes an RNA molecule that does not result in a protein product. Information on the frequency of this variant in the gnomAD database is not available, as this variant may be reported differently in the database. This variant has not been reported in the literature in individuals affected with RMRP-related conditions. Experimental studies and prediction algorithms are not available or were not evaluated, and the functional significance of this variant is currently unknown. In summary, the available evidence is currently insufficient to determine the role of this variant in disease. Therefore, it has been classified as a Variant of Uncertain Significance.